The following is an entry in ClinVar:

ClinVar aggregate classification (germline): Uncertain significance (1 of 4 stars; one submission).

Conditions:
Ehlers-Danlos syndrome, classic type, 1 (EDSCL1). Also called: EHLERS-DANLOS SYNDROME, GRAVIS TYPE; EHLERS-DANLOS SYNDROME, SEVERE CLASSIC TYPE; Ehlers-Danlos syndrome, type 1; Ehlers-Danlos Syndrome, Classic Type, COL5A1-Related; EDS I. Identifiers: MedGen C0268335, MONDO:0019567, OMIM 130000.

gnomAD v4.1: 3 of 1,579,948 alleles (0.00019%); highest among the groups gnomAD compares: Non-Finnish European, 0.00026%; no homozygotes.

Submission:

Labcorp Genetics (formerly Invitae), Labcorp
Classification: Uncertain significance for Ehlers-Danlos syndrome, classic type, 1. Last evaluated: 2024-11-05. Review status: criteria provided, single submitter. Criteria: Invitae Variant Classification Sherloc (09022015). Collection method: clinical testing. Allele origin: germline.
Comment: This sequence change replaces glycine, which is neutral and non-polar, with aspartic acid, which is acidic and polar, at codon 216 of the COL5A2 protein (p.Gly216Asp). This variant is not present in population databases (gnomAD no frequency). This variant has not been reported in the literature in individuals affected with COL5A2-related conditions. An algorithm developed to predict the effect of missense changes on protein structure and function (PolyPhen-2) suggests that this variant is likely to be disruptive. In summary, the available evidence is currently insufficient to determine the role of this variant in disease. Therefore, it has been classified as a Variant of Uncertain Significance.

NM_000393.5(COL5A2):c.647G>A (p.Gly216Asp)

Gene: COL5A2 (collagen type V alpha 2 chain; minus strand). Cytogenetic location: 2q32.2.
Variant type: single nucleotide variant.
Coding change: c.647G>A on transcript NM_000393.5 (MANE Select); coding-DNA position 647, G replaced by A.
Protein change: p.Gly216Asp; replaces glycine 216 with aspartic acid.
Molecular consequence: missense variant.
Genome position (GRCh38, 1-based): chr2:189,086,769, C>T on the plus strand (G>A on the coding strand, the complement: COL5A2 is on the minus strand). VCF-style: chr2-189086769-C-T. GRCh37 (hg19) VCF-style: chr2-189951495-C-T.
Other names: short protein forms G216D.
Identifiers: ClinVar variation 3667966 (VCV003667966.2).